The following is an entry in ClinVar:

NM_014845.6(FIG4):c.775+298G>A

Gene: FIG4 (FIG4 phosphoinositide 5-phosphatase; plus strand). Cytogenetic location: 6q21.
Variant type: single nucleotide variant.
Coding change: c.775+298G>A on transcript NM_014845.6 (MANE Select); 298 bases into the intron after coding-DNA position 775, G replaced by A.
Molecular consequence: intron variant.
Genome position (GRCh38, 1-based): chr6:109,738,751, G>A. VCF-style: chr6-109738751-G-A. GRCh37 (hg19) VCF-style: chr6-110059954-G-A.
Identifiers: ClinVar variation 668146 (VCV000668146.1), dbSNP rs12201444, ClinGen allele CA12204265.
Genomic context (GRCh38, chr6:109,738,751, plus strand): 5'-TAATAAGTGTCATGCTTATCTGGGAGAAGGAGGAGAATTACTGATAGTTGGAGAGGATGG[G>A]ACAGGCCCATGGGAATAGTTGAACTTGGCCTGGGCCCTAAACAAAAGTCAGTGCCTTAGC-3'

ClinVar aggregate classification (germline): Benign (1 of 4 stars; one submission).

Allele frequency attached by ClinVar (database versions not stated): gnomAD 0.33071 and 0.33778; TOPMed 0.33196; 1000 Genomes Project 30x 0.33557; 1000 Genomes Project 0.33866.
gnomAD v4.1: 51,402 of 152,128 alleles (34%); highest among the groups gnomAD compares: South Asian, 45%; 9,312 homozygotes.

Submission:

GeneDx
Classification: Benign. Last evaluated: 2018-06-19. Review status: criteria provided, single submitter. Criteria: GeneDx Variant Classification (06012015). Collection method: clinical testing. Allele origin: germline. Affected: yes.
Comment: This variant is considered likely benign or benign based on one or more of the following criteria: it is a conservative change, it occurs at a poorly conserved position in the protein, it is predicted to be benign by multiple in silico algorithms, and/or has population frequency not consistent with disease.